The following is an entry in ClinVar:

ClinVar aggregate classification (germline): Uncertain significance. Review status: criteria provided, multiple submitters, no conflicts (2 of 4 stars). 3 submissions from 3 submitters: Uncertain significance (3). Last evaluated 2025-11-10.

Conditions:
Hereditary cancer-predisposing syndrome. Also called: Neoplastic Syndromes, Hereditary; Tumor predisposition; Hereditary Cancer Syndrome; Hereditary neoplastic syndrome. Identifiers: Orphanet 140162, MedGen C0027672, MeSH D009386, MONDO:0015356.
Gastrointestinal stromal tumor. Also called: Gastrointestinal stromal tumor, somatic; Gastrointestinal stroma tumor. Identifiers: Orphanet 44890, MedGen C0238198, MeSH D046152, MONDO:0011719, OMIM 606764, HP:0100723.

Allele frequency attached by ClinVar (database versions not stated): gnomAD exomes below 0.00001; TOPMed 0.00001.
gnomAD v4.1: 2 of 1,614,176 alleles (0.00012%); highest among the groups gnomAD compares: African/African-American, 0.0027%; no homozygotes.

Submissions (3):

Labcorp Genetics (formerly Invitae), Labcorp
Classification: Uncertain significance for Gastrointestinal stromal tumor. Last evaluated: 2025-11-10. Review status: criteria provided, single submitter. Criteria: Invitae Variant Classification Sherloc (09022015). Collection method: clinical testing. Allele origin: germline.
Comment: This sequence change replaces leucine, which is neutral and non-polar, with methionine, which is neutral and non-polar, at codon 184 of the KIT protein (p.Leu184Met). This variant is not present in population databases (gnomAD no frequency). This variant has not been reported in the literature in individuals affected with KIT-related conditions. ClinVar contains an entry for this variant (Variation ID: 664382). An algorithm developed to predict the effect of missense changes on protein structure and function outputs the following: PolyPhen-2: "Benign". The methionine amino acid residue is found in multiple mammalian species, which suggests that this missense change does not adversely affect protein function. In summary, the available evidence is currently insufficient to determine the role of this variant in disease. Therefore, it has been classified as a Variant of Uncertain Significance.

Ambry Genetics
Classification: Uncertain significance for Hereditary cancer-predisposing syndrome. Last evaluated: 2025-05-16. Review status: criteria provided, single submitter. Criteria: Ambry Variant Classification Scheme 2023. Collection method: clinical testing. Allele origin: germline.
Comment: The p.L184M variant (also known as c.550C>A), located in coding exon 3 of the KIT gene, results from a C to A substitution at nucleotide position 550. The leucine at codon 184 is replaced by methionine, an amino acid with highly similar properties. This amino acid position is conserved. In addition, this alteration is predicted to be tolerated by in silico analysis. Since supporting evidence is limited at this time, the clinical significance of this alteration remains unclear.

GeneDx
Classification: Uncertain significance. Last evaluated: 2023-01-04. Review status: criteria provided, single submitter. Criteria: GeneDx Variant Classification Process June 2021. Collection method: clinical testing. Allele origin: germline. Affected: yes.
Comment: Not observed at significant frequency in large population cohorts (gnomAD); In silico analysis supports that this missense variant does not alter protein structure/function; Has not been previously published as pathogenic or benign to our knowledge

NM_000222.3(KIT):c.550C>A (p.Leu184Met)

Gene: KIT (KIT proto-oncogene, receptor tyrosine kinase; plus strand). Cytogenetic location: 4q12.
Variant type: single nucleotide variant.
Coding change: c.550C>A on transcript NM_000222.3 (MANE Select); coding-DNA position 550, C replaced by A.
Protein change: p.Leu184Met; replaces leucine 184 with methionine.
Molecular consequence: missense variant.
Genome position (GRCh38, 1-based): chr4:54,698,496, C>A. VCF-style: chr4-54698496-C-A. GRCh37 (hg19) VCF-style: chr4-55564662-C-A.
Other names: c.550C>A, p.Leu184Met (NM_001093772.2, NM_001385284.1, NM_001385285.1 and 4 more transcripts); short protein forms L184M.
Identifiers: ClinVar variation 664382 (VCV000664382.13), dbSNP rs1577957143, ClinGen allele CA356897867.